The following is an entry in ClinVar:

ClinVar aggregate classification (germline): Uncertain significance (1 of 4 stars; one submission).

Conditions:
Glycogen storage disease type III (GSD3). Also called: FORBES DISEASE; Cori disease. Identifiers: Orphanet 366, MedGen C0017922, MONDO:0009291, OMIM 232400.

Allele frequency attached by ClinVar (database versions not stated): gnomAD exomes 0.00001; TOPMed 0.00001; ExAC 0.00002.
gnomAD v4.1: 8 of 1,613,938 alleles (0.0005%); highest among the groups gnomAD compares: South Asian, 0.0022%; no homozygotes.

Submission:

Labcorp Genetics (formerly Invitae), Labcorp
Classification: Uncertain significance for Glycogen storage disease type III. Last evaluated: 2021-10-14. Review status: criteria provided, single submitter. Criteria: Invitae Variant Classification Sherloc (09022015). Collection method: clinical testing. Allele origin: germline.
Comment: This sequence change replaces alanine with threonine at codon 583 of the AGL protein (p.Ala583Thr). The alanine residue is highly conserved and there is a small physicochemical difference between alanine and threonine. This variant is present in population databases (rs762347255, ExAC 0.006%). This variant has not been reported in the literature in individuals affected with AGL-related conditions. Algorithms developed to predict the effect of missense changes on protein structure and function are either unavailable or do not agree on the potential impact of this missense change (SIFT: "Deleterious"; PolyPhen-2: "Probably Damaging"; Align-GVGD: "Class C0"). In summary, the available evidence is currently insufficient to determine the role of this variant in disease. Therefore, it has been classified as a Variant of Uncertain Significance.

NM_000642.3(AGL):c.1747G>A (p.Ala583Thr)

Gene: AGL (amylo-alpha-1,6-glucosidase and 4-alpha-glucanotransferase; plus strand). Cytogenetic location: 1p21.2.
Variant type: single nucleotide variant.
Coding change: c.1747G>A on transcript NM_000642.3 (MANE Select); coding-DNA position 1747, G replaced by A.
Protein change: p.Ala583Thr; replaces alanine 583 with threonine.
Molecular consequence: missense variant.
Genome position (GRCh38, 1-based): chr1:99,880,643, G>A. VCF-style: chr1-99880643-G-A. GRCh37 (hg19) VCF-style: chr1-100346199-G-A.
Other names: c.1747G>A, p.Ala583Thr (NM_000028.3, NM_000643.3, NM_000644.3 and 2 more transcripts); c.1699G>A, p.Ala567Thr (NM_000646.3); c.1546G>A, p.Ala516Thr (NM_001425327.1); c.1543G>A, p.Ala515Thr (NM_001425328.1, NM_001425329.1); c.1369G>A, p.Ala457Thr (NM_001425332.1); short protein forms A583T, A567T, A457T, A515T, A516T.
Identifiers: ClinVar variation 1431910 (VCV001431910.5), dbSNP rs762347255, ClinGen allele CA966585.